The following is an entry in ClinVar:

ClinVar aggregate classification (germline): Likely benign (0 of 4 stars; one submission).

Conditions:
SLC38A10-related disorder. Also called: SLC38A10-related condition.

Allele frequency attached by ClinVar (database versions not stated): gnomAD exomes 0.00011; ExAC 0.00034; ESP Exome Variant Server 0.00107; gnomAD 0.00109; TOPMed 0.00131; 1000 Genomes Project 0.00160; 1000 Genomes Project 30x 0.00172.
gnomAD v4.1: 337 of 1,611,944 alleles (0.021%); highest among the groups gnomAD compares: African/African-American, 0.35%; 1 homozygote.

Submission:

PreventionGenetics, part of Exact Sciences
Classification: Likely benign for SLC38A10-related condition. Last evaluated: 2022-04-28. Review status: no assertion criteria provided. Collection method: clinical testing. Allele origin: germline.
Comment: This variant is classified as likely benign based on ACMG/AMP sequence variant interpretation guidelines (Richards et al. 2015 PMID: 25741868, with internal and published modifications).

NM_001037984.3(SLC38A10):c.3065T>C (p.Leu1022Pro)

Gene: SLC38A10 (solute carrier family 38 member 10; minus strand). Cytogenetic location: 17q25.3.
Variant type: single nucleotide variant.
Coding change: c.3065T>C on transcript NM_001037984.3 (MANE Select); coding-DNA position 3065, T replaced by C.
Protein change: p.Leu1022Pro; replaces leucine 1022 with proline.
Molecular consequence: missense variant.
Genome position (GRCh38, 1-based): chr17:81,245,851, A>G on the plus strand (T>C on the coding strand, the complement: SLC38A10 is on the minus strand). VCF-style: chr17-81245851-A-G. GRCh37 (hg19) VCF-style: chr17-79219651-A-G.
Other names: short protein forms L1022P.
Identifiers: ClinVar variation 3034657 (VCV003034657.2), dbSNP rs200407214, ClinGen allele CA8831382.